The following is an entry in ClinVar:

NM_005228.5(EGFR):c.3268C>G (p.Pro1090Ala)

Gene: EGFR (epidermal growth factor receptor; plus strand). Cytogenetic location: 7p11.2.
Variant type: single nucleotide variant.
Coding change: c.3268C>G on transcript NM_005228.5 (MANE Select); coding-DNA position 3268, C replaced by G.
Protein change: p.Pro1090Ala; replaces proline 1090 with alanine.
Molecular consequence: missense variant.
Genome position (GRCh38, 1-based): chr7:55,202,622, C>G. VCF-style: chr7-55202622-C-G. GRCh37 (hg19) VCF-style: chr7-55270315-C-G.
Other names: c.3133C>G, p.Pro1045Ala (NM_001346897.2, NM_001346899.2); c.3268C>G, p.Pro1090Ala (NM_001346898.2); c.3109C>G, p.Pro1037Ala (NM_001346900.2); c.2467C>G, p.Pro823Ala (NM_001346941.2); short protein forms P1090A, P823A, P1045A, P1037A.
Identifiers: ClinVar variation 2747756 (VCV002747756.3), dbSNP rs367870311, ClinGen allele CA367583582.

ClinVar aggregate classification (germline): Uncertain significance (1 of 4 stars; one submission).

Conditions:
EGFR-related lung cancer (EGFR). Identifiers: MedGen CN130014.

Submission:

Labcorp Genetics (formerly Invitae), Labcorp
Classification: Uncertain significance for EGFR-related lung cancer. Last evaluated: 2023-07-29. Review status: criteria provided, single submitter. Criteria: Invitae Variant Classification Sherloc (09022015). Collection method: clinical testing. Allele origin: germline.
Comment: This sequence change replaces proline, which is neutral and non-polar, with alanine, which is neutral and non-polar, at codon 1090 of the EGFR protein (p.Pro1090Ala). This variant is not present in population databases (gnomAD no frequency). This variant has not been reported in the literature in individuals affected with EGFR-related conditions. An algorithm developed to predict the effect of missense changes on protein structure and function (PolyPhen-2) suggests that this variant is likely to be tolerated. In summary, the available evidence is currently insufficient to determine the role of this variant in disease. Therefore, it has been classified as a Variant of Uncertain Significance.